The following is an entry in ClinVar:

ClinVar aggregate classification (germline): Uncertain significance (1 of 4 stars; one submission).

Submission:

Labcorp Genetics (formerly Invitae), Labcorp
Classification: Uncertain significance. Last evaluated: 2023-04-06. Review status: criteria provided, single submitter. Criteria: Invitae Variant Classification Sherloc (09022015). Collection method: clinical testing. Allele origin: germline.
Comment: In summary, the available evidence is currently insufficient to determine the role of this variant in disease. Therefore, it has been classified as a Variant of Uncertain Significance. Advanced modeling of protein sequence and biophysical properties (such as structural, functional, and spatial information, amino acid conservation, physicochemical variation, residue mobility, and thermodynamic stability) performed at Invitae indicates that this missense variant is not expected to disrupt TGFB1 protein function. This variant has not been reported in the literature in individuals affected with TGFB1-related conditions. This variant is not present in population databases (gnomAD no frequency). This sequence change replaces leucine, which is neutral and non-polar, with serine, which is neutral and polar, at codon 162 of the TGFB1 protein (p.Leu162Ser).

NM_000660.7(TGFB1):c.485T>C (p.Leu162Ser)

Gene: TGFB1 (transforming growth factor beta 1; minus strand). Cytogenetic location: 19q13.2.
Variant type: single nucleotide variant.
Coding change: c.485T>C on transcript NM_000660.7 (MANE Select); coding-DNA position 485, T replaced by C.
Protein change: p.Leu162Ser; replaces leucine 162 with serine.
Molecular consequence: missense variant.
Genome position (GRCh38, 1-based): chr19:41,348,326, A>G on the plus strand (T>C on the coding strand, the complement: TGFB1 is on the minus strand). VCF-style: chr19-41348326-A-G. GRCh37 (hg19) VCF-style: chr19-41854231-A-G.
Other names: short protein forms L162S.
Identifiers: ClinVar variation 2840780 (VCV002840780.3), dbSNP rs2513386875, ClinGen allele CA406003567.
Genomic context (GRCh38, chr19:41,348,326, plus strand): 5'-CTGACCTTCCTTCTGGCTCATGTCCTCACCTGGTACAGCTCCACGTGCTGCTCCACTTTT[A>G]ACTTGAGCCTCAGCAGACGCAGCTCTGCCCGGGAGAGCAACACGGGTTCAGGTACCGCTT-3'
Protein context (NP_000651.3, residues 152-172): RAELRLLRLK[Leu162Ser]KVEQHVELYQ